The following is an entry in ClinVar:

ClinVar aggregate classification (germline): Conflicting classifications of pathogenicity. Review status: criteria provided, conflicting classifications (1 of 4 stars). 3 submissions from 3 submitters: Uncertain significance (1); Likely benign (2). Last evaluated 2025-12-03.

Conditions:
RYR1-related disorder. Also called: RYR1-related condition; RYR1-related disorders. Identifiers: MedGen CN239331.

Allele frequency attached by ClinVar (database versions not stated): ExAC 0.00001; gnomAD exomes 0.00001.
gnomAD v4.1: 3 of 1,614,218 alleles (0.00019%); highest among the groups gnomAD compares: Admixed American, 0.005%; no homozygotes.

Submissions (3):

PreventionGenetics, part of Exact Sciences
Classification: Likely benign for RYR1-related condition. Last evaluated: 2025-12-03. Review status: criteria provided, single submitter. Criteria: ACMG Guidelines, 2015. Collection method: clinical testing. Allele origin: germline.
Comment: This variant is classified as likely benign based on ACMG/AMP sequence variant interpretation guidelines (Richards et al. 2015 PMID: 25741868, with internal and published modifications).

Labcorp Genetics (formerly Invitae), Labcorp
Classification: Likely benign for RYR1-related disorder. Last evaluated: 2025-09-08. Review status: criteria provided, single submitter. Criteria: Invitae Variant Classification Sherloc (09022015). Collection method: clinical testing. Allele origin: germline.

Revvity Omics, Revvity
Classification: Uncertain significance. Last evaluated: 2020-03-18. Review status: criteria provided, single submitter. Criteria: ACMG Guidelines, 2015. Collection method: clinical testing. Allele origin: germline.

NM_000540.3(RYR1):c.975C>T (p.Ala325=)

Gene: RYR1 (ryanodine receptor 1; plus strand). Cytogenetic location: 19q13.2.
Variant type: single nucleotide variant.
Coding change: c.975C>T on transcript NM_000540.3 (MANE Select); coding-DNA position 975, C replaced by T.
Protein change: p.Ala325=; no amino-acid change (alanine 325 retained).
Molecular consequence: synonymous variant.
Genome position (GRCh38, 1-based): chr19:38,448,666, C>T. VCF-style: chr19-38448666-C-T. GRCh37 (hg19) VCF-style: chr19-38939306-C-T.
Other names: c.975C>T, p.Ala325= (NM_001042723.2); c.975C>T (NM_000540.2).
Identifiers: ClinVar variation 1116148 (VCV001116148.12), dbSNP rs751251863, ClinGen allele CA074119.
Genomic context (GRCh38, chr19:38,448,666, plus strand): 5'-CACACAGGCAGAGGAGGCTGACCTGTGTCCCCTGCCCCTGTAGGAGAAGCTGGATGTGGC[C>T]CCCAAGCGGGATGTGGAGGGCATGGGCCCCCCTGAGATCAAGTACGGGGAGTCACTGTGC-3'
Protein context (NP_000531.2, residues 315-335): FRISKEKLDV[Ala325=]PKRDVEGMGP